The following is an entry in ClinVar:

NM_153676.4(USH1C):c.2491-1G>C

Gene: USH1C (USH1 protein network component harmonin; minus strand). Cytogenetic location: 11p15.1.
Variant type: single nucleotide variant.
Coding change: c.2491-1G>C on transcript NM_153676.4 (MANE Select); the canonical splice acceptor site of the intron before coding-DNA position 2491, G replaced by C.
Molecular consequence: splice acceptor variant.
Genome position (GRCh38, 1-based): chr11:17,496,814, C>G on the plus strand (G>C on the coding strand, the complement: USH1C is on the minus strand). VCF-style: chr11-17496814-C-G. GRCh37 (hg19) VCF-style: chr11-17518361-C-G.
Other names: c.1534-1G>C (NM_001297764.2); c.1591-1G>C (NM_005709.4).
Identifiers: ClinVar variation 2841077 (VCV002841077.3), dbSNP rs1565017125, ClinGen allele CA379799878.

ClinVar aggregate classification (germline): Likely pathogenic (1 of 4 stars; one submission).

Submission:

Labcorp Genetics (formerly Invitae), Labcorp
Classification: Likely pathogenic. Last evaluated: 2023-02-26. Review status: criteria provided, single submitter. Criteria: Invitae Variant Classification Sherloc (09022015). Collection method: clinical testing. Allele origin: germline.
Comment: In summary, the currently available evidence indicates that the variant is pathogenic, but additional data are needed to prove that conclusively. Therefore, this variant has been classified as Likely Pathogenic. Algorithms developed to predict the effect of sequence changes on RNA splicing suggest that this variant may disrupt the consensus splice site. Disruption of this splice site has been observed in individual(s) with deafness (PMID: 31541171). This variant is not present in population databases (gnomAD no frequency). This sequence change affects an acceptor splice site in intron 19 of the USH1C gene. It is expected to disrupt RNA splicing. Variants that disrupt the donor or acceptor splice site typically lead to a loss of protein function (PMID: 16199547), and loss-of-function variants in USH1C are known to be pathogenic (PMID: 10973247, 17407589, 20301442, 21203349).

Literature cited by the submitters: PubMed 31541171; PubMed 16199547; PubMed 10973247; PubMed 17407589; PubMed 20301442; PubMed 21203349.